The following is an entry in ClinVar:

ClinVar aggregate classification (germline): Uncertain significance. Review status: criteria provided, multiple submitters, no conflicts (2 of 4 stars). 5 submissions from 5 submitters: Uncertain significance (4). 1 of the submissions does not count toward it. Last evaluated 2025-11-27.

Conditions:
Macular dystrophy. Identifiers: MedGen C0730292, HP:0007754.
Retinal dystrophy. Also called: Inherited retinal dystrophy. Identifiers: Orphanet 71862, MedGen C0854723, MeSH D058499, MONDO:0019118, HP:0000556.

Allele frequency attached by ClinVar (database versions not stated): ESP Exome Variant Server 0.00008; gnomAD 0.00010 and 0.00011; ExAC 0.00012; gnomAD exomes 0.00012 and 0.00020; TOPMed 0.00014.
gnomAD v4.1: 311 of 1,613,844 alleles (0.019%); highest among the groups gnomAD compares: Non-Finnish European, 0.025%; no homozygotes.

Submissions (5):

Labcorp Genetics (formerly Invitae), Labcorp
Classification: Uncertain significance. Last evaluated: 2025-11-27. Review status: criteria provided, single submitter. Criteria: Invitae Variant Classification Sherloc (09022015). Collection method: clinical testing. Allele origin: germline.
Comment: This sequence change replaces aspartic acid, which is acidic and polar, with valine, which is neutral and non-polar, at codon 210 of the ROM1 protein (p.Asp210Val). This variant is present in population databases (rs200287184, gnomAD 0.02%). This missense change has been observed in individual(s) with clinical features of ROM1-related conditions (PMID: 30718709). ClinVar contains an entry for this variant (Variation ID: 636087). Invitae Evidence Modeling of protein sequence and biophysical properties (such as structural, functional, and spatial information, amino acid conservation, physicochemical variation, residue mobility, and thermodynamic stability) indicates that this missense variant is not expected to disrupt ROM1 protein function with a negative predictive value of 80%. In summary, the available evidence is currently insufficient to determine the role of this variant in disease. Therefore, it has been classified as a Variant of Uncertain Significance.

Blueprint Genetics
Classification: Uncertain significance. Last evaluated: 2022-07-13. Review status: criteria provided, single submitter. Criteria: ACMG Guidelines, 2015. Collection method: clinical testing. Allele origin: germline.

Institute of Human Genetics, Univ. Regensburg, Univ. Regensburg
Classification: Uncertain significance for Retinal dystrophy. Last evaluated: 2020-01-01. Review status: criteria provided, single submitter. Criteria: ACMG Guidelines, 2015. Collection method: clinical testing. Allele origin: germline. Affected: yes.

Breakthrough Genomics
Classification: Uncertain significance. Review status: criteria provided, single submitter. Criteria: ACMG Guidelines, 2015. Collection method: not provided. Allele origin: germline. Inheritance: Autosomal recessive inheritance. Affected: yes.

Department of Clinical Genetics, Copenhagen University Hospital, Rigshospitalet
Classification: Uncertain significance for Macular dystrophy. Last evaluated: 2018-04-01. Review status: no assertion criteria provided. Collection method: research. Allele origin: unknown. Affected: yes. Study: VeluxRD. Not counted in ClinVar's aggregate classification.

Literature cited by the submitters: PubMed 30718709 (cited by 3 submitters).

NM_000327.4(ROM1):c.629A>T (p.Asp210Val)

Gene: ROM1 (retinal outer segment membrane protein 1; plus strand). Cytogenetic location: 11q12.3.
Variant type: single nucleotide variant.
Coding change: c.629A>T on transcript NM_000327.4 (MANE Select); coding-DNA position 629, A replaced by T.
Protein change: p.Asp210Val; replaces aspartic acid 210 with valine.
Molecular consequence: missense variant.
Genome position (GRCh38, 1-based): chr11:62,614,296, A>T. VCF-style: chr11-62614296-A-T. GRCh37 (hg19) VCF-style: chr11-62381768-A-T.
Other names: short protein forms D210V.
Identifiers: ClinVar variation 636087 (VCV000636087.14), dbSNP rs200287184, ClinGen allele CA6049802.
Genomic context (GRCh38, chr11:62,614,296, plus strand): 5'-CCCTCTGTCCCTCCCTTTGCAGCCGGATCCAGAGCAATGTAGAAGGCCTATACCTGACTG[A>T]TGGGGTCCCTTTCTCCTGTTGCAACCCCCACTCACCCCGGCCTTGCCTGCAAAACCGTCT-3'
Protein context (NP_000318.2, residues 200-220): QSNVEGLYLT[Asp210Val]GVPFSCCNPH